The following is an entry in ClinVar:

ClinVar aggregate classification (germline): Uncertain significance (1 of 4 stars; one submission).

Conditions:
Cardiovascular phenotype. Identifiers: MedGen CN230736.

gnomAD v4.1: 1 of 1,614,188 alleles (0.000062%); highest among the groups gnomAD compares: South Asian, 0.0011%; no homozygotes.

Submission:

Ambry Genetics
Classification: Uncertain significance for Cardiovascular phenotype. Last evaluated: 2025-01-13. Review status: criteria provided, single submitter. Criteria: Ambry Variant Classification Scheme 2023. Collection method: clinical testing. Allele origin: germline.
Comment: The p.D2038E variant (also known as c.6114T>G), located in coding exon 26 of the APOB gene, results from a T to G substitution at nucleotide position 6114. The aspartic acid at codon 2038 is replaced by glutamic acid, an amino acid with highly similar properties. This amino acid position is conserved. In addition, this alteration is predicted to be tolerated by in silico analysis. Based on the available evidence, the clinical significance of this variant remains unclear.

NM_000384.3(APOB):c.6114T>G (p.Asp2038Glu)

Gene: APOB (apolipoprotein B; minus strand). Cytogenetic location: 2p24.1.
Variant type: single nucleotide variant.
Coding change: c.6114T>G on transcript NM_000384.3 (MANE Select); coding-DNA position 6114, T replaced by G.
Protein change: p.Asp2038Glu; replaces aspartic acid 2038 with glutamic acid.
Molecular consequence: missense variant.
Genome position (GRCh38, 1-based): chr2:21,010,754, A>C on the plus strand (T>G on the coding strand, the complement: APOB is on the minus strand). VCF-style: chr2-21010754-A-C. GRCh37 (hg19) VCF-style: chr2-21233626-A-C.
Other names: short protein forms D2038E.
Identifiers: ClinVar variation 3885171 (VCV003885171.1).